The following is an entry in ClinVar:

ClinVar aggregate classification (germline): Conflicting classifications of pathogenicity. Review status: criteria provided, conflicting classifications (1 of 4 stars). 2 submissions from 2 submitters: Pathogenic (1); Uncertain significance (1). Last evaluated 2025-11-20.

Conditions:
Intellectual developmental disorder, autosomal dominant 56. Also called: MENTAL RETARDATION, AUTOSOMAL DOMINANT 56; Intellectual disability, autosomal dominant 56. Identifiers: MedGen C4693389, MONDO:0030922, OMIM 617854.

Allele frequency attached by ClinVar (database versions not stated): gnomAD exomes below 0.00001.
gnomAD v4.1: 5 of 1,614,066 alleles (0.00031%); highest among the groups gnomAD compares: African/African-American, 0.0013%; no homozygotes.

Submissions (2):

Clinical Genomics Laboratory, Washington University in St. Louis
Classification: Uncertain significance for Intellectual developmental disorder, autosomal dominant 56. Last evaluated: 2025-11-20. Review status: criteria provided, single submitter. Criteria: ACMG Guidelines, 2015. Collection method: clinical testing. Allele origin: germline.
Comment: The CLTC c.3115C>T (p.Arg1039Cys) variant, to our knowledge, has not been reported in the medical literature but has been reported as a germline de novo pathogenic variant by one submitter in ClinVar for the CLTC-related condition. This variant is absent from the general population (gnomAD v2.1.1), indicating it is not a common variant. The CLTC gene has a low rate of benign missense variation and where pathogenic missense variants are a common mechanism of disease. Due to limited information, and based on ACMG/AMP guidelines for variant interpretation (Richards S et al., PMID: 25741868), the clinical significance of this variant is uncertain at this time.

Labcorp Genetics (formerly Invitae), Labcorp
Classification: Pathogenic. Last evaluated: 2024-03-11. Review status: criteria provided, single submitter. Criteria: Invitae Variant Classification Sherloc (09022015). Collection method: clinical testing. Allele origin: germline.
Comment: This sequence change replaces arginine, which is basic and polar, with cysteine, which is neutral and slightly polar, at codon 1043 of the CLTC protein (p.Arg1043Cys). This variant is not present in population databases (gnomAD no frequency). This missense change has been observed in individual(s) with clinical features of CLTC related conditions (Invitae). In at least one individual the variant was observed to be de novo. ClinVar contains an entry for this variant (Variation ID: 2120198). Advanced modeling of protein sequence and biophysical properties (such as structural, functional, and spatial information, amino acid conservation, physicochemical variation, residue mobility, and thermodynamic stability) performed at Invitae indicates that this missense variant is expected to disrupt CLTC protein function with a positive predictive value of 80%. For these reasons, this variant has been classified as Pathogenic.

NM_004859.4(CLTC):c.3115C>T (p.Arg1039Cys)

Gene: CLTC (clathrin heavy chain; plus strand). Cytogenetic location: 17q23.1.
Variant type: single nucleotide variant.
Coding change: c.3115C>T on transcript NM_004859.4 (MANE Select); coding-DNA position 3115, C replaced by T.
Protein change: p.Arg1039Cys; replaces arginine 1039 with cysteine.
Molecular consequence: missense variant.
Genome position (GRCh38, 1-based): chr17:59,681,344, C>T. VCF-style: chr17-59681344-C-T. GRCh37 (hg19) VCF-style: chr17-57758705-C-T.
Other names: c.3127C>T, p.Arg1043Cys (NM_001288653.2); short protein forms R1043C, R1039C.
Identifiers: ClinVar variation 2120198 (VCV002120198.5), dbSNP rs2033077979, ClinGen allele CA400417038.